The following is an entry in ClinVar:

ClinVar aggregate classification (germline): Likely benign. Review status: criteria provided, multiple submitters, no conflicts (2 of 4 stars). 2 submissions from 2 submitters: Likely benign (2). Last evaluated 2024-12-23.

Allele frequency attached by ClinVar (database versions not stated): gnomAD exomes below 0.00001 and 0.00001; ExAC 0.00001; gnomAD 0.00001; TOPMed 0.00001.
gnomAD v4.1: 4 of 1,614,050 alleles (0.00025%); highest among the groups gnomAD compares: African/African-American, 0.004%; no homozygotes.

Submissions (2):

Labcorp Genetics (formerly Invitae), Labcorp
Classification: Likely benign. Last evaluated: 2024-12-23. Review status: criteria provided, single submitter. Criteria: Invitae Variant Classification Sherloc (09022015). Collection method: clinical testing. Allele origin: germline.

Laboratory for Molecular Medicine, Mass General Brigham Personalized Medicine
Classification: Likely benign. Last evaluated: 2015-02-26. Review status: criteria provided, single submitter. Criteria: LMM Criteria. Collection method: clinical testing. Allele origin: germline. Observed: 1 variant allele.
Comment: p.Ser611Ser in exon 9 of DFNB31: This variant is not expected to have clinical significance because it does not alter an amino acid residue and is not located within the splice consensus sequence. It has been identified in 1/10196 African chromosomes by the Exome Aggregation Consortium (ExAC)

NM_015404.4(WHRN):c.1833C>T (p.Ser611=)

Gene: WHRN (whirlin; minus strand). Cytogenetic location: 9q32.
Variant type: single nucleotide variant.
Coding change: c.1833C>T on transcript NM_015404.4 (MANE Select); coding-DNA position 1833, C replaced by T.
Protein change: p.Ser611=; no amino-acid change (serine 611 retained).
Molecular consequence: synonymous variant.
Genome position (GRCh38, 1-based): chr9:114,406,758, G>A on the plus strand (C>T on the coding strand, the complement: WHRN is on the minus strand). VCF-style: chr9-114406758-G-A. GRCh37 (hg19) VCF-style: chr9-117169038-G-A.
Other names: c.684C>T, p.Ser228= (NM_001083885.3); c.1833C>T, p.Ser611= (NM_001173425.2); c.780C>T, p.Ser260= (NM_001346890.1).
Identifiers: ClinVar variation 227289 (VCV000227289.7), dbSNP rs752505729, ClinGen allele CA5205807.